The following is an entry in ClinVar:

NM_020999.4(NEUROG3):c.107C>T (p.Pro36Leu)

Gene: NEUROG3 (neurogenin 3; minus strand). Cytogenetic location: 10q22.1.
Variant type: single nucleotide variant.
Coding change: c.107C>T on transcript NM_020999.4 (MANE Select); coding-DNA position 107, C replaced by T.
Protein change: p.Pro36Leu; replaces proline 36 with leucine.
Molecular consequence: missense variant.
Genome position (GRCh38, 1-based): chr10:69,572,937, G>A on the plus strand (C>T on the coding strand, the complement: NEUROG3 is on the minus strand). VCF-style: chr10-69572937-G-A. GRCh37 (hg19) VCF-style: chr10-71332693-G-A.
Other names: short protein forms P36L.
Identifiers: ClinVar variation 1394357 (VCV001394357.8), dbSNP rs1261995783, ClinGen allele CA376923167.

ClinVar aggregate classification (germline): Uncertain significance (1 of 4 stars; one submission).

Allele frequency attached by ClinVar (database versions not stated): gnomAD 0.00001; gnomAD exomes 0.00001.
gnomAD v4.1: 11 of 1,612,742 alleles (0.00068%); highest among the groups gnomAD compares: South Asian, 0.0055%; no homozygotes.

Submission:

Labcorp Genetics (formerly Invitae), Labcorp
Classification: Uncertain significance. Last evaluated: 2025-12-08. Review status: criteria provided, single submitter. Criteria: Invitae Variant Classification Sherloc (09022015). Collection method: clinical testing. Allele origin: germline.
Comment: This sequence change replaces proline, which is neutral and non-polar, with leucine, which is neutral and non-polar, at codon 36 of the NEUROG3 protein (p.Pro36Leu). This variant is present in population databases (no rsID available, gnomAD 0.007%). This variant has not been reported in the literature in individuals affected with NEUROG3-related conditions. ClinVar contains an entry for this variant (Variation ID: 1394357). An algorithm developed to predict the effect of missense changes on protein structure and function outputs the following: PolyPhen-2: "Benign". The leucine amino acid residue is found in multiple mammalian species, which suggests that this missense change does not adversely affect protein function. In summary, the available evidence is currently insufficient to determine the role of this variant in disease. Therefore, it has been classified as a Variant of Uncertain Significance.